The following is an entry in ClinVar:

ClinVar aggregate classification (germline): Uncertain significance (1 of 4 stars; one submission).

Submission:

Labcorp Genetics (formerly Invitae), Labcorp
Classification: Uncertain significance. Last evaluated: 2025-02-26. Review status: criteria provided, single submitter. Criteria: Invitae Variant Classification Sherloc (09022015). Collection method: clinical testing. Allele origin: germline.
Comment: This variant, c.2173_2175del, results in the deletion of 1 amino acid(s) of the SULF1 protein (p.Lys725del), but otherwise preserves the integrity of the reading frame. This variant is not present in population databases (gnomAD no frequency). This variant has not been reported in the literature in individuals affected with SULF1-related conditions. Experimental studies and prediction algorithms are not available or were not evaluated, and the functional significance of this variant is currently unknown. In summary, the available evidence is currently insufficient to determine the role of this variant in disease. Therefore, it has been classified as a Variant of Uncertain Significance.

NM_001128205.2(SULF1):c.2170AAG[1] (p.Lys725del)

Gene: SULF1 (sulfatase 1; plus strand). Cytogenetic location: 8q13.3.
Variant type: Microsatellite.
Coding change: c.2170AAG[1] on transcript NM_001128205.2 (MANE Select); one copy of the 3-base unit AAG starting at c.2170; the reference has two copies in a row; one copy, 3 bases deleted.
Protein change: p.Lys725del; deletes lysine 725.
Molecular consequence: inframe deletion. On other transcripts: inframe indel (1), non-coding transcript variant (7).
Genome position (GRCh38, 1-based): chr8:69,629,568-69,629,570, AAG deleted; deleting any 3 consecutive bases within chr8:69,629,564-69,629,570 gives the same sequence; the position shown is the placement nearest the transcript's 3' end. VCF-style (leftmost placement, unchanged base first): chr8-69629563-GGAA-G. GRCh37 (hg19) VCF-style: chr8-70541798-GGAA-G.
Other names: c.2170AAG[1], p.Lys725del (NM_001128204.2, NM_001128206.2, NM_001412828.1 and 9 more transcripts); c.2041AAG[1], p.Lys682del (NM_001412832.1, NM_001412838.1, NM_001412839.1 and 1 more transcripts); c.2113AAG[1], p.Lys706del (NM_001412836.1, NM_001412837.1); c.1984AAG[1], p.Lys663del (NM_001412841.1, NM_001412842.1); c.2170_2172AAG[1], p.Lys725del (NM_001412843.1); c.1570AAG[1], p.Lys525del (NM_001412844.1, NM_001412845.1); c.379AAG[1], p.Lys128del (NM_001412846.1); short protein forms K525del, K725del, K128del, K663del, K682del, K706del.
Identifiers: ClinVar variation 2958901 (VCV002958901.3), dbSNP rs1810358096, ClinGen allele CA1791955390.